The following is an entry in ClinVar:

NM_002485.5(NBN):c.1202C>G (p.Pro401Arg)

Gene: NBN (nibrin; minus strand). Cytogenetic location: 8q21.3.
Variant type: single nucleotide variant.
Coding change: c.1202C>G on transcript NM_002485.5 (MANE Select); coding-DNA position 1202, C replaced by G.
Protein change: p.Pro401Arg; replaces proline 401 with arginine.
Molecular consequence: missense variant.
Genome position (GRCh38, 1-based): chr8:89,955,478, G>C on the plus strand (C>G on the coding strand, the complement: NBN is on the minus strand). VCF-style: chr8-89955478-G-C. GRCh37 (hg19) VCF-style: chr8-90967706-G-C.
Other names: p.P401R:CCC>CGC; c.956C>G, p.Pro319Arg (NM_001024688.3); short protein forms P401R, P319R.
Identifiers: ClinVar variation 127010 (VCV000127010.31), dbSNP rs104895033, ClinGen allele CA230732.

ClinVar aggregate classification (germline): Conflicting classifications of pathogenicity. Review status: criteria provided, conflicting classifications (1 of 4 stars). 10 submissions from 10 submitters: Uncertain significance (5); Likely benign (1). 4 of the submissions do not count toward it. Last evaluated 2025-12-01.

Conditions:
Hereditary cancer-predisposing syndrome. Also called: Tumor predisposition; Hereditary Cancer Syndrome; Neoplastic Syndromes, Hereditary; Hereditary neoplastic syndrome. Identifiers: Orphanet 140162, MedGen C0027672, MeSH D009386, MONDO:0015356.
Microcephaly, normal intelligence and immunodeficiency (NBS). Also called: IMMUNODEFICIENCY, MICROCEPHALY, AND CHROMOSOMAL INSTABILITY; SEEMANOVA SYNDROME II; Nijmegen breakage syndrome; Microcephaly with normal intelligence immunodeficiency and lymphoreticular malignancies; Nonsyndromal microcephaly autosomal recessive with normal intelligence; Seemanova syndrome 2. Identifiers: Orphanet 647, MedGen C0398791, MONDO:0009623, OMIM 251260.

Allele frequency attached by ClinVar (database versions not stated): TOPMed 0.00002.

Submissions (10):

Ambry Genetics
Classification: Likely benign for Hereditary cancer-predisposing syndrome. Last evaluated: 2025-12-01. Review status: criteria provided, single submitter. Criteria: Ambry Variant Classification Scheme 2023. Collection method: clinical testing. Allele origin: germline.

Women's Health and Genetics/Laboratory Corporation of America, LabCorp
Classification: Uncertain significance. Last evaluated: 2025-01-27. Review status: criteria provided, single submitter. Criteria: LabCorp Variant Classification Summary - May 2015. Collection method: clinical testing. Allele origin: germline.
Comment: Variant summary: NBN c.1202C>G (p.Pro401Arg) results in a non-conservative amino acid change in the encoded protein sequence. Four of five in-silico tools predict a benign effect of the variant on protein function. The variant allele was found at a frequency of 6.4e-05 in 251082 control chromosomes. This frequency is not significantly higher than estimated for a pathogenic variant in NBN causing Nijmegen Breakage Syndrome (6.4e-05 vs 0.0025), allowing no conclusion about variant significance. c.1202C>G has been reported in the literature in association with unspecified cancer (example: Belhadj_2023). These report(s) do not provide unequivocal conclusions about association of the variant with Nijmegen Breakage Syndrome. To our knowledge, no experimental evidence demonstrating an impact on protein function has been reported. The following publication has been ascertained in the context of this evaluation (PMID: 36346689). ClinVar contains an entry for this variant (Variation ID: 127010). Based on the evidence outlined above, the variant was classified as uncertain significance.

Labcorp Genetics (formerly Invitae), Labcorp
Classification: Uncertain significance for Microcephaly, normal intelligence and immunodeficiency. Last evaluated: 2024-11-17. Review status: criteria provided, single submitter. Criteria: Invitae Variant Classification Sherloc (09022015). Collection method: clinical testing. Allele origin: germline.
Comment: This sequence change replaces proline, which is neutral and non-polar, with arginine, which is basic and polar, at codon 401 of the NBN protein (p.Pro401Arg). This variant is present in population databases (rs104895033, gnomAD 0.07%). This variant has not been reported in the literature in individuals affected with NBN-related conditions. ClinVar contains an entry for this variant (Variation ID: 127010). An algorithm developed to predict the effect of missense changes on protein structure and function (PolyPhen-2) suggests that this variant is likely to be tolerated. In summary, the available evidence is currently insufficient to determine the role of this variant in disease. Therefore, it has been classified as a Variant of Uncertain Significance.

Hereditary Cancer Laboratory, Hospital Universitario 12 de Octubre
Classification: Uncertain significance for Hereditary cancer-predisposing syndrome. Last evaluated: 2024-05-30. Review status: criteria provided, single submitter. Criteria: ACMG Guidelines, 2015. Collection method: clinical testing. Allele origin: germline.
Comment: PM2 + BP4

GeneDx
Classification: Uncertain significance. Last evaluated: 2024-04-24. Review status: criteria provided, single submitter. Criteria: GeneDx Variant Classification Process June 2021. Collection method: clinical testing. Allele origin: germline. Affected: yes.
Comment: In silico analysis supports that this missense variant does not alter protein structure/function; Reported in several individuals with primary antibody deficiency syndromes (PMID: 20805886); This variant is associated with the following publications: (PMID: 24894818, 36346689, 20805886)

Genome-Nilou Lab
Classification: Uncertain significance for Microcephaly, normal intelligence and immunodeficiency. Last evaluated: 2021-11-07. Review status: criteria provided, single submitter. Criteria: ACMG Guidelines, 2015. Collection method: clinical testing. Allele origin: germline. Affected: no.

Natera, Inc.
Classification: Uncertain significance for Nijmegen breakage syndrome. Last evaluated: 2020-08-04. Review status: no assertion criteria provided. Collection method: clinical testing. Allele origin: germline. Not counted in ClinVar's aggregate classification.

Counsyl
Classification: Uncertain significance for Microcephaly, normal intelligence and immunodeficiency. Last evaluated: 2017-02-01. Review status: no assertion criteria provided. Collection method: clinical testing. Allele origin: unknown. Not counted in ClinVar's aggregate classification.

Department of Pathology and Laboratory Medicine, Sinai Health System
Classification: Uncertain significance. Review status: no assertion criteria provided. Collection method: clinical testing. Allele origin: unknown. Affected: yes. Study: The Canadian Open Genetics Repository (COGR). Not counted in ClinVar's aggregate classification.
Comment: The NBN p.Pro401Arg variant was identified in 2 of 876 proband chromosomes (frequency: 0.002) from individuals or families of Swedish descent with immunoglobulin A deficiency (IgAD) or common variable immunodeficiency (CVID) and was not identified in 1892 control chromosomes from healthy individuals (Offer 2010). The variant was also identified in dbSNP (ID: rs104895033) â€šÃ„ÃºWith Uncertain significance alleleâ€šÃ„Ã¹ and ClinVar (classified as uncertain significance by Ambry Genetics, GeneDx, Invitae, Color, and Counsyl). The variant was not identified in LOVD 3.0 database. The variant was identified in control databases in 17 of 245910 chromosomes at a frequency of 0.00007 (Genome Aggregation Database Feb 27, 2017) in the following populations: Other in 1 of 5472 chromosomes (freq: 0.0002), European Non-Finnish in 1 of 111484 chromosomes (freq: 0.000009), and European Finnish in 15 of 22284 chromosomes (freq: 0.0007), while it was not observed in the African, Latino, Ashkenazi Jewish, East Asian, or South Asian populations. The p.Pro401 residue is not conserved in mammals and four out of five computational analyses (PolyPhen-2, SIFT, AlignGVGD, BLOSUM, MutationTaster) do not suggest a high likelihood of impact to the protein; however, this information is not predictive enough to rule out pathogenicity. The variant occurs outside of the splicing consensus sequence and in silico or computational prediction software programs (SpliceSiteFinder, MaxEntScan, NNSPLICE, GeneSplicer) do not predict a difference in splicing. In summary, based on the above information, the clinical significance of this variant cannot be determined with certainty at this time. This variant is classified as a variant of uncertain significance.

Harris Lab, University of Minnesota
No classification provided. Review status: no classification provided. Collection method: not provided. Allele origin: unknown. Not counted in ClinVar's aggregate classification.

Literature cited by the submitters: PubMed 36346689 (cited by Women's Health and Genetics/Laboratory Corporation of America, LabCorp); PubMed 20805886 (cited by Counsyl).